The following is an entry in ClinVar:

NM_005502.4(ABCA1):c.3945G>A (p.Gly1315=)

Gene: ABCA1 (ATP binding cassette subfamily A member 1; minus strand). Cytogenetic location: 9q31.1.
Variant type: single nucleotide variant.
Coding change: c.3945G>A on transcript NM_005502.4 (MANE Select); coding-DNA position 3945, G replaced by A.
Protein change: p.Gly1315=; no amino-acid change (glycine 1315 retained).
Molecular consequence: synonymous variant.
Genome position (GRCh38, 1-based): chr9:104,812,679, C>T on the plus strand (G>A on the coding strand, the complement: ABCA1 is on the minus strand). VCF-style: chr9-104812679-C-T. GRCh37 (hg19) VCF-style: chr9-107574960-C-T.
Identifiers: ClinVar variation 364409 (VCV000364409.20), dbSNP rs35545593, ClinGen allele CA5168280.

ClinVar aggregate classification (germline): Benign. Review status: criteria provided, multiple submitters, no conflicts (2 of 4 stars). 7 submissions from 6 submitters: Benign (6). 1 of the submissions does not count toward it. Last evaluated 2026-02-02.

Conditions:
Tangier disease (TGD). Also called: Cholesterol thesaurismosis; HIGH DENSITY LIPOPROTEIN DEFICIENCY, TANGIER TYPE; HIGH DENSITY LIPOPROTEIN DEFICIENCY, TYPE 1. Identifiers: Orphanet 31150, MedGen C0039292, MONDO:0008783, OMIM 205400.
ABCA1-related disorder. Also called: ABCA1-related condition; ABCA1-related disorders. Identifiers: MedGen CN239173.
Cardiovascular phenotype. Identifiers: MedGen CN230736.
Hypoalphalipoproteinemia, primary, 1. Identifiers: Orphanet 425, MedGen C5231558, MONDO:0011393, OMIM 604091.

Allele frequency attached by ClinVar (database versions not stated): gnomAD exomes 0.00229 and 0.00591; ExAC 0.00723; gnomAD 0.02341 and 0.02511; 1000 Genomes Project 0.02596; TOPMed 0.02628; ESP Exome Variant Server 0.02745; 1000 Genomes Project 30x 0.02795.
gnomAD v4.1: 6,999 of 1,614,202 alleles (0.43%); highest among the groups gnomAD compares: African/African-American, 8.4%; 286 homozygotes.

Submissions (7):

Labcorp Genetics (formerly Invitae), Labcorp
Classification: Benign. Last evaluated: 2026-02-02. Review status: criteria provided, single submitter. Criteria: Invitae Variant Classification Sherloc (09022015). Collection method: clinical testing. Allele origin: germline.

Ambry Genetics
Classification: Benign for Cardiovascular phenotype. Last evaluated: 2020-01-17. Review status: criteria provided, single submitter. Criteria: Ambry Variant Classification Scheme 2023. Collection method: clinical testing. Allele origin: germline.

GeneDx
Classification: Benign. Last evaluated: 2019-04-01. Review status: criteria provided, single submitter. Criteria: GeneDx Variant Classification Process June 2021. Collection method: clinical testing. Allele origin: germline. Affected: yes.

Illumina Laboratory Services, Illumina
Classification: Benign for Hypoalphalipoproteinemia, primary, 1. Last evaluated: 2018-01-13. Review status: criteria provided, single submitter. Criteria: ICSL Variant Classification Criteria 13 December 2019. Collection method: clinical testing. Allele origin: germline.
Comment: This variant was observed in the ICSL laboratory as part of a predisposition screen in an ostensibly healthy population. It had not been previously curated by ICSL or reported in the Human Gene Mutation Database (HGMD: prior to June 1st, 2018), and was therefore a candidate for classification through an automated scoring system. Utilizing variant allele frequency, disease prevalence and penetrance estimates, and inheritance mode, an automated score was calculated to assess if this variant is too frequent to cause the disease. Based on the score and internal cut-off values, a variant classified as benign is not then subjected to further curation. The score for this variant resulted in a classification of benign for this disease.

Illumina Laboratory Services, Illumina
Classification: Benign for Tangier disease. Last evaluated: 2018-01-13. Review status: criteria provided, single submitter. Criteria: ICSL Variant Classification Criteria 13 December 2019. Collection method: clinical testing. Allele origin: germline.
Comment: the same text as in the submission from Illumina Laboratory Services, Illumina above.

Breakthrough Genomics
Classification: Benign. Review status: criteria provided, single submitter. Criteria: ACMG Guidelines, 2015. Collection method: not provided. Allele origin: germline. Inheritance: Autosomal recessive inheritance. Affected: yes.

PreventionGenetics, part of Exact Sciences
Classification: Benign for ABCA1-related condition. Last evaluated: 2020-02-24. Review status: no assertion criteria provided. Collection method: clinical testing. Allele origin: germline. Not counted in ClinVar's aggregate classification.
Comment: This variant is classified as benign based on ACMG/AMP sequence variant interpretation guidelines (Richards et al. 2015 PMID: 25741868, with internal and published modifications).